The following is an entry in ClinVar:

NM_198904.4(GABRG2):c.1156C>G (p.Pro386Ala)

Gene: GABRG2 (gamma-aminobutyric acid type A receptor subunit gamma2; plus strand). Cytogenetic location: 5q34.
Variant type: single nucleotide variant.
Coding change: c.1156C>G on transcript NM_198904.4 (MANE Select); coding-DNA position 1156, C replaced by G.
Protein change: p.Pro386Ala; replaces proline 386 with alanine.
Molecular consequence: missense variant.
Genome position (GRCh38, 1-based): chr5:162,153,096, C>G. VCF-style: chr5-162153096-C-G. GRCh37 (hg19) VCF-style: chr5-161580102-C-G.
Other names: c.1132C>G, p.Pro378Ala (NM_000816.3); c.1147C>G, p.Pro383Ala (NM_001375339.1); c.950C>G, p.Pro317Arg (NM_001375340.1); c.1153C>G, p.Pro385Ala (NM_001375341.1); c.1129C>G, p.Pro377Ala (NM_001375342.1); c.1252C>G, p.Pro418Ala (NM_001375343.1); c.1195C>G, p.Pro399Ala (NM_001375344.1); c.1066C>G, p.Pro356Ala (NM_001375345.1); and 6 more; short protein forms P238A, P317R, P356A, P377A, P385A, P418A, P283A, P364A.
Identifiers: ClinVar variation 2114937 (VCV002114937.4), dbSNP rs757311213, ClinGen allele CA362183182.

ClinVar aggregate classification (germline): Uncertain significance (1 of 4 stars; one submission).

Conditions:
EPILEPSY, CHILDHOOD ABSENCE, SUSCEPTIBILITY TO, 2 (ECA2). Identifiers: Orphanet 64280, MedGen C1843244, OMIM 607681.
Febrile seizures, familial, 8 (FEB8). Also called: CONVULSIONS, FAMILIAL FEBRILE, 8. Identifiers: Orphanet 36387, MedGen C1969810, MONDO:0011891, OMIM 607681.

Submission:

Labcorp Genetics (formerly Invitae), Labcorp
Classification: Uncertain significance for Febrile seizures, familial, 8; EPILEPSY, CHILDHOOD ABSENCE, SUSCEPTIBILITY TO, 2. Last evaluated: 2024-10-22. Review status: criteria provided, single submitter. Criteria: Invitae Variant Classification Sherloc (09022015). Collection method: clinical testing. Allele origin: germline.
Comment: This sequence change replaces proline, which is neutral and non-polar, with alanine, which is neutral and non-polar, at codon 378 of the GABRG2 protein (p.Pro378Ala). This variant is not present in population databases (gnomAD no frequency). This variant has not been reported in the literature in individuals affected with GABRG2-related conditions. ClinVar contains an entry for this variant (Variation ID: 2114937). Invitae Evidence Modeling of protein sequence and biophysical properties (such as structural, functional, and spatial information, amino acid conservation, physicochemical variation, residue mobility, and thermodynamic stability) has been performed for this missense variant. However, the output from this modeling did not meet the statistical confidence thresholds required to predict the impact of this variant on GABRG2 protein function. In summary, the available evidence is currently insufficient to determine the role of this variant in disease. Therefore, it has been classified as a Variant of Uncertain Significance.